The following is an entry in ClinVar:

ClinVar aggregate classification (germline): Uncertain significance (1 of 4 stars; one submission).

Submission:

Women's Health and Genetics/Laboratory Corporation of America, LabCorp
Classification: Uncertain significance. Last evaluated: 2026-01-07. Review status: criteria provided, single submitter. Criteria: LabCorp Variant Classification Summary - May 2015. Collection method: clinical testing. Allele origin: germline.
Comment: Variant summary: MAN2B1 c.2746C>G (p.Arg916Gly) results in a non-conservative amino acid change in the encoded protein sequence. Algorithms developed to predict the effect of missense changes on protein structure and function all suggest that this variant is likely to be disruptive. The variant was absent in 250646 control chromosomes. The available data on variant occurrences in the general population are insufficient to allow any conclusion about variant significance. To our knowledge, no occurrence of c.2746C>G in individuals affected with MAN2B1-related conditions and no experimental evidence demonstrating its impact on protein function have been reported. No submitters have cited clinical-significance assessments for this variant to ClinVar. Based on the evidence outlined above, the variant was classified as uncertain significance.

NM_000528.4(MAN2B1):c.2746C>G (p.Arg916Gly)

Genes: MAN2B1 (mannosidase alpha class 2B member 1; minus strand), LOC130063648 (ATAC-STARR-seq lymphoblastoid active region 14063; plus strand). Cytogenetic location: 19p13.13.
Variant type: single nucleotide variant.
Coding change: c.2746C>G on transcript NM_000528.4 (MANE Select); coding-DNA position 2746, C replaced by G.
Protein change: p.Arg916Gly; replaces arginine 916 with glycine.
Molecular consequence: missense variant.
Genome position (GRCh38, 1-based): chr19:12,647,517, G>C on the plus strand (C>G on the coding strand, the complement: MAN2B1 is on the minus strand). VCF-style: chr19-12647517-G-C. GRCh37 (hg19) VCF-style: chr19-12758331-G-C.
Other names: c.2743C>G, p.Arg915Gly (NM_001173498.2); c.2749C>G, p.Arg917Gly (NM_001440570.1); short protein forms R915G, R916G, R917G.
Identifiers: ClinVar variation 4689576 (VCV004689576.1).